The following is an entry in ClinVar:

NM_000051.4(ATM):c.1987T>G (p.Leu663Val)

Gene: ATM (ATM serine/threonine kinase; plus strand). Cytogenetic location: 11q22.3.
Variant type: single nucleotide variant.
Coding change: c.1987T>G on transcript NM_000051.4 (MANE Select); coding-DNA position 1987, T replaced by G.
Protein change: p.Leu663Val; replaces leucine 663 with valine.
Molecular consequence: missense variant.
Genome position (GRCh38, 1-based): chr11:108,253,902, T>G. VCF-style: chr11-108253902-T-G. GRCh37 (hg19) VCF-style: chr11-108124629-T-G.
Other names: c.1987T>G, p.Leu663Val (NM_001351834.2); short protein forms L663V.
Identifiers: ClinVar variation 3654057 (VCV003654057.2).

ClinVar aggregate classification (germline): Uncertain significance (1 of 4 stars; one submission).

Conditions:
Ataxia-telangiectasia syndrome (AT). Also called: LOUIS-BAR SYNDROME; Cerebello-oculocutaneous telangiectasia; Immunodeficiency with ataxia telangiectasia; ATAXIA-TELANGIECTASIA, COMPLEMENTATION GROUP A; ATAXIA-TELANGIECTASIA, FRESNO VARIANT; Ataxia-telangiectasia, complementation group D. Identifiers: Orphanet 100, MedGen C0004135, MONDO:0008840, OMIM 208900.

Submission:

Labcorp Genetics (formerly Invitae), Labcorp
Classification: Uncertain significance for Ataxia-telangiectasia syndrome. Last evaluated: 2024-05-21. Review status: criteria provided, single submitter. Criteria: Invitae Variant Classification Sherloc (09022015). Collection method: clinical testing. Allele origin: germline.
Comment: This sequence change replaces leucine, which is neutral and non-polar, with valine, which is neutral and non-polar, at codon 663 of the ATM protein (p.Leu663Val). This variant is not present in population databases (gnomAD no frequency). This variant has not been reported in the literature in individuals affected with ATM-related conditions. An algorithm developed to predict the effect of missense changes on protein structure and function (PolyPhen-2) suggests that this variant is likely to be tolerated. In summary, the available evidence is currently insufficient to determine the role of this variant in disease. Therefore, it has been classified as a Variant of Uncertain Significance.